The following is an entry in ClinVar:

NM_032806.6(POMGNT2):c.39G>C (p.Ser13=)

Gene: POMGNT2 (protein O-linked mannose N-acetylglucosaminyltransferase 2 (beta 1,4-); minus strand). Cytogenetic location: 3p22.1.
Variant type: single nucleotide variant.
Coding change: c.39G>C on transcript NM_032806.6 (MANE Select); coding-DNA position 39, G replaced by C.
Protein change: p.Ser13=; no amino-acid change (serine 13 retained).
Molecular consequence: synonymous variant.
Genome position (GRCh38, 1-based): chr3:43,081,393, C>G on the plus strand (G>C on the coding strand, the complement: POMGNT2 is on the minus strand). VCF-style: chr3-43081393-C-G. GRCh37 (hg19) VCF-style: chr3-43122885-C-G.
Identifiers: ClinVar variation 703632 (VCV000703632.13), dbSNP rs59831271, ClinGen allele CA2340170.

ClinVar aggregate classification (germline): Likely benign. Review status: criteria provided, multiple submitters, no conflicts (2 of 4 stars). 4 submissions from 4 submitters: Likely benign (3). 1 of the submissions does not count toward it. Last evaluated 2025-11-10.

Conditions:
POMGNT2-related disorder. Also called: POMGNT2-related condition.
Muscular dystrophy-dystroglycanopathy (congenital with brain and eye anomalies), type a, 8 (MDDGA8). Also called: WALKER-WARBURG SYNDROME OR MUSCLE-EYE-BRAIN DISEASE, GTDC2-RELATED. Identifiers: Orphanet 899, MedGen C3553813, MONDO:0013904, OMIM 614830.

Allele frequency attached by ClinVar (database versions not stated): ESP Exome Variant Server 0.00046; 1000 Genomes Project 30x 0.00047; 1000 Genomes Project 0.00060; TOPMed 0.00064.
gnomAD v4.1: 141 of 1,599,942 alleles (0.0088%); highest among the groups gnomAD compares: African/African-American, 0.18%; 1 homozygote.

Submissions (4):

Labcorp Genetics (formerly Invitae), Labcorp
Classification: Likely benign for Muscular dystrophy-dystroglycanopathy (congenital with brain and eye anomalies), type a, 8. Last evaluated: 2025-11-10. Review status: criteria provided, single submitter. Criteria: Invitae Variant Classification Sherloc (09022015). Collection method: clinical testing. Allele origin: germline.

Blueprint Genetics
Classification: Likely benign. Last evaluated: 2024-08-21. Review status: criteria provided, single submitter. Criteria: ACMG Guidelines, 2015. Collection method: clinical testing. Allele origin: germline.

Genetic Services Laboratory, University of Chicago
Classification: Likely benign. Last evaluated: 2018-12-27. Review status: criteria provided, single submitter. Criteria: ACMG Guidelines, 2015. Collection method: clinical testing. Allele origin: germline. Affected: no.

PreventionGenetics, part of Exact Sciences
Classification: Likely benign for POMGNT2-related condition. Last evaluated: 2019-06-18. Review status: no assertion criteria provided. Collection method: clinical testing. Allele origin: germline. Not counted in ClinVar's aggregate classification.
Comment: This variant is classified as likely benign based on ACMG/AMP sequence variant interpretation guidelines (Richards et al. 2015 PMID: 25741868, with internal and published modifications).